The following is an entry in ClinVar:

NM_001211.6(BUB1B):c.134T>G (p.Leu45Arg)

Gene: BUB1B (BUB1 mitotic checkpoint serine/threonine kinase B; plus strand). Cytogenetic location: 15q15.1.
Variant type: single nucleotide variant.
Coding change: c.134T>G on transcript NM_001211.6 (MANE Select); coding-DNA position 134, T replaced by G.
Protein change: p.Leu45Arg; replaces leucine 45 with arginine.
Molecular consequence: missense variant.
Genome position (GRCh38, 1-based): chr15:40,165,151, T>G. VCF-style: chr15-40165151-T-G. GRCh37 (hg19) VCF-style: chr15-40457352-T-G.
Other names: short protein forms L45R.
Identifiers: ClinVar variation 4828781 (VCV004828781.1).
Genomic context (GRCh38, chr15:40,165,151, plus strand): 5'-GTAAAGAAAATGTACAACCTTTAAGGCAAGGGCGGATCATGTCCACGCTTCAGGGAGCAC[T>G]GGCACAAGAATCTGCCTGTAACAATACTCTTCAGCAGCAGAAACGGTGTGTAGAATGGCT-3'
Protein context (NP_001202.5, residues 35-55): GRIMSTLQGA[Leu45Arg]AQESACNNTL

ClinVar aggregate classification (germline): Uncertain significance (1 of 4 stars; one submission).

Conditions:
Inborn genetic diseases. Identifiers: MedGen C0950123, MeSH D030342.

Submission:

Ambry Genetics
Classification: Uncertain significance for Inborn genetic diseases. Last evaluated: 2025-12-22. Review status: criteria provided, single submitter. Criteria: Ambry Variant Classification Scheme 2023. Collection method: clinical testing. Allele origin: germline.
Comment: The p.L45R variant (also known as c.134T>G), located in coding exon 2 of the BUB1B gene, results from a T to G substitution at nucleotide position 134. The leucine at codon 45 is replaced by arginine, an amino acid with dissimilar properties. This amino acid position is conserved. In addition, this alteration is predicted to be deleterious by in silico analysis. Based on the available evidence, the clinical significance of this variant remains unclear.